The following is an entry in ClinVar:

ClinVar aggregate classification (germline): Likely benign. Review status: criteria provided, multiple submitters, no conflicts (2 of 4 stars). 2 submissions from 2 submitters: Likely benign (2). Last evaluated 2025-11-12.

Allele frequency attached by ClinVar (database versions not stated): ExAC 0.00001; gnomAD 0.00001 and 0.00002; gnomAD exomes 0.00001 and 0.00003; TOPMed 0.00002.
gnomAD v4.1: 49 of 1,614,024 alleles (0.003%); highest among the groups gnomAD compares: Non-Finnish European, 0.0036%; no homozygotes.

Submissions (2):

Labcorp Genetics (formerly Invitae), Labcorp
Classification: Likely benign. Last evaluated: 2025-11-12. Review status: criteria provided, single submitter. Criteria: Invitae Variant Classification Sherloc (09022015). Collection method: clinical testing. Allele origin: germline.

Mayo Clinic Laboratories, Mayo Clinic
Classification: Likely benign. Last evaluated: 2025-03-05. Review status: criteria provided, single submitter. Criteria: ACMG Guidelines, 2015. Collection method: clinical testing. Allele origin: germline. Observed: 1 variant allele.
Comment: BP4, BP7

NM_003906.5(MCM3AP):c.2691C>T (p.Thr897=)

Gene: MCM3AP (minichromosome maintenance complex component 3 associated protein; minus strand). Cytogenetic location: 21q22.3.
Variant type: single nucleotide variant.
Coding change: c.2691C>T on transcript NM_003906.5 (MANE Select); coding-DNA position 2691, C replaced by T.
Protein change: p.Thr897=; no amino-acid change (threonine 897 retained).
Molecular consequence: synonymous variant.
Genome position (GRCh38, 1-based): chr21:46,267,080, G>A on the plus strand (C>T on the coding strand, the complement: MCM3AP is on the minus strand). VCF-style: chr21-46267080-G-A. GRCh37 (hg19) VCF-style: chr21-47686994-G-A.
Other names: p.Thr897=.
Identifiers: ClinVar variation 1673161 (VCV001673161.9), dbSNP rs773035448, ClinGen allele CA10076769.